The following is an entry in ClinVar:

NM_177550.5(SLC13A5):c.1096del (p.Leu366fs)

Gene: SLC13A5 (solute carrier family 13 member 5; minus strand). Cytogenetic location: 17p13.1.
Variant type: Deletion.
Coding change: c.1096del on transcript NM_177550.5 (MANE Select); coding-DNA position 1096, one base deleted (C; older notation c.1096delC).
Protein change: p.Leu366fs; shifts the reading frame from leucine 366.
Molecular consequence: frameshift variant.
Genome position (GRCh38, 1-based): chr17:6,694,157, G deleted on the plus strand (C on the coding strand, the reverse complement: SLC13A5 is on the minus strand); the first of 3 consecutive G bases (chr17:6,694,157-6,694,159); deleting any one gives the same sequence. VCF-style (leftmost placement, unchanged base first): chr17-6694156-AG-A. GRCh37 (hg19) VCF-style: chr17-6597475-AG-A.
Other names: c.1096del, p.Leu366fs (NM_001143838.3); c.1045del, p.Leu349fs (NM_001284509.2); c.967del, p.Leu323fs (NM_001284510.2); short protein forms L349fs, L366fs, L323fs.
Identifiers: ClinVar variation 2707561 (VCV002707561.3), dbSNP rs2544620617, ClinGen allele CA2697559372.
Genomic context (GRCh38, chr17:6,694,156, plus strand): 5'-CCTTCCTCAGTCTGGCTGCGGAAGTTAAACTTGGGCTTCTGTGAAGGCACAATGAATAGC[AG>A]GGTGGCCACAAAGATGGCCACAGTGGCATCGGAGACATACCTAGGTGGGGAAAAGCACAG-3'

ClinVar aggregate classification (germline): Pathogenic (1 of 4 stars; one submission).

Conditions:
Developmental and epileptic encephalopathy, 25 (DEE25). Also called: Developmental and epileptic encephalopathy 25, with amelogenesis imperfecta; Epileptic encephalopathy, early infantile, 25, with amelogenesis imperfecta; Epileptic encephalopathy, early infantile, 25. Identifiers: Orphanet 442835, MedGen C4014621, MONDO:0014392, OMIM 615905.

Submission:

Labcorp Genetics (formerly Invitae), Labcorp
Classification: Pathogenic for Developmental and epileptic encephalopathy, 25. Last evaluated: 2023-06-10. Review status: criteria provided, single submitter. Criteria: Invitae Variant Classification Sherloc (09022015). Collection method: clinical testing. Allele origin: germline.
Comment: For these reasons, this variant has been classified as Pathogenic. This variant has not been reported in the literature in individuals affected with SLC13A5-related conditions. This variant is not present in population databases (gnomAD no frequency). This sequence change creates a premature translational stop signal (p.Leu366Cysfs*36) in the SLC13A5 gene. It is expected to result in an absent or disrupted protein product. Loss-of-function variants in SLC13A5 are known to be pathogenic (PMID: 24995870, 26384929).

Literature cited by the submitters: PubMed 24995870; PubMed 26384929.